The following is an entry in ClinVar:

NM_170606.3(KMT2C):c.13646G>A (p.Arg4549His)

Gene: KMT2C (lysine methyltransferase 2C; minus strand). Cytogenetic location: 7q36.1.
Variant type: single nucleotide variant.
Coding change: c.13646G>A on transcript NM_170606.3 (MANE Select); coding-DNA position 13646, G replaced by A.
Protein change: p.Arg4549His; replaces arginine 4549 with histidine.
Molecular consequence: missense variant.
Genome position (GRCh38, 1-based): chr7:152,148,281, C>T on the plus strand (G>A on the coding strand, the complement: KMT2C is on the minus strand). VCF-style: chr7-152148281-C-T. GRCh37 (hg19) VCF-style: chr7-151845366-C-T.
Other names: NC_000007.13:g.151845366C>T; c.13646G>A (NM_170606.2); short protein forms R4549H.
Identifiers: ClinVar variation 4335279 (VCV004335279.2).

ClinVar aggregate classification (germline): Uncertain significance (1 of 4 stars; one submission).

Conditions:
Inborn genetic diseases. Identifiers: MedGen C0950123, MeSH D030342.

gnomAD v4.1: 1 of 1,614,230 alleles (0.000062%); highest among the groups gnomAD compares: African/African-American, 0.0013%; no homozygotes.

Submissions (2):

Ambry Genetics
Classification: Uncertain significance for Inborn genetic diseases. Last evaluated: 2026-01-28. Review status: criteria provided, single submitter. Criteria: Ambry Variant Classification Scheme 2023. Collection method: clinical testing. Allele origin: germline.
Comment: The c.13646G>A (p.R4549H) alteration is located in exon 52 (coding exon 52) of the KMT2C gene. This alteration results from a G to A substitution at nucleotide position 13646, causing the arginine (R) at amino acid position 4549 to be replaced by a histidine (H). This variant was not reported in population-based cohorts in the Genome Aggregation Database (gnomAD). This amino acid position is highly conserved in available vertebrate species. This alteration is predicted to be deleterious by in silico analysis. Based on insufficient or conflicting evidence, the clinical significance of this alteration remains unclear.

Dr. Peter K. Rogan Lab, Western University
No classification provided (evidence only). Condition: Gastric cancer. Review status: no classification provided. Collection method: in vitro. Allele origin: not applicable. Functional consequence: retained intron. Not counted in ClinVar's aggregate classification.